The following is an entry in ClinVar:

ClinVar aggregate classification (germline): Uncertain significance (1 of 4 stars; one submission).

gnomAD v4.1: 1 of 1,535,324 alleles (0.000065%); highest among the groups gnomAD compares: Non-Finnish European, 0.000087%; no homozygotes.

Submission:

Labcorp Genetics (formerly Invitae), Labcorp
Classification: Uncertain significance. Last evaluated: 2022-06-07. Review status: criteria provided, single submitter. Criteria: Invitae Variant Classification Sherloc (09022015). Collection method: clinical testing. Allele origin: germline.
Comment: This sequence change replaces threonine, which is neutral and polar, with proline, which is neutral and non-polar, at codon 507 of the FAM20C protein (p.Thr507Pro). In summary, the available evidence is currently insufficient to determine the role of this variant in disease. Therefore, it has been classified as a Variant of Uncertain Significance. Algorithms developed to predict the effect of missense changes on protein structure and function (SIFT, PolyPhen-2, Align-GVGD) all suggest that this variant is likely to be disruptive. This variant has not been reported in the literature in individuals affected with FAM20C-related conditions. This variant is not present in population databases (gnomAD no frequency).

NM_020223.4(FAM20C):c.1519A>C (p.Thr507Pro)

Gene: FAM20C (FAM20C golgi associated secretory pathway kinase; plus strand). Cytogenetic location: 7p22.3.
Variant type: single nucleotide variant.
Coding change: c.1519A>C on transcript NM_020223.4 (MANE Select); coding-DNA position 1519, A replaced by C.
Protein change: p.Thr507Pro; replaces threonine 507 with proline.
Molecular consequence: missense variant.
Genome position (GRCh38, 1-based): chr7:259,744, A>C. VCF-style: chr7-259744-A-C. GRCh37 (hg19) VCF-style: chr7-299710-A-C.
Other names: short protein forms T507P.
Identifiers: ClinVar variation 2003073 (VCV002003073.4), dbSNP rs1393577746, ClinGen allele CA366526113.